The following is an entry in ClinVar:

ClinVar aggregate classification (germline): Benign/Likely benign. Review status: criteria provided, multiple submitters, no conflicts (2 of 4 stars). 2 submissions from 2 submitters: Benign (1); Likely benign (1). Last evaluated 2024-06-11.

Allele frequency attached by ClinVar (database versions not stated): 1000 Genomes Project 0.00020; 1000 Genomes Project 30x 0.00062.
gnomAD v4.1: 195 of 1,612,354 alleles (0.012%); highest among the groups gnomAD compares: East Asian, 0.42%; 1 homozygote.

Submissions (2):

Blueprint Genetics
Classification: Likely benign. Last evaluated: 2024-06-11. Review status: criteria provided, single submitter. Criteria: ACMG Guidelines, 2015. Collection method: clinical testing. Allele origin: germline.

Women's Health and Genetics/Laboratory Corporation of America, LabCorp
Classification: Benign. Last evaluated: 2024-04-24. Review status: criteria provided, single submitter. Criteria: LabCorp Variant Classification Summary - May 2015. Collection method: clinical testing. Allele origin: germline.
Comment: Variant summary: NBEA c.6449-7C>G alters a conserved nucleotide located close to a canonical splice site and therefore could affect mRNA splicing, leading to a significantly altered protein sequence. Consensus agreement among computation tools predict no significant impact on normal splicing. However, these predictions have yet to be confirmed by functional studies. The variant allele was found at a frequency of 0.00033 in 248374 control chromosomes, predominantly at a frequency of 0.0045 within the East Asian subpopulation in the gnomAD database, including 1 homozygotes. To our knowledge, no occurrence of c.6449-7C>G in individuals affected with Neurodevelopmental Disorder With Or Without Early-Onset Generalized Epilepsy and no experimental evidence demonstrating its impact on protein function have been reported. No submitters have cited clinical-significance assessments for this variant to ClinVar. Based on the evidence outlined above, the variant was classified as benign.

NM_001385012.1(NBEA):c.6449-7C>G

Gene: NBEA (neurobeachin; plus strand). Cytogenetic location: 13q13.3.
Variant type: single nucleotide variant.
Coding change: c.6449-7C>G on transcript NM_001385012.1 (MANE Select); 7 bases into the intron before coding-DNA position 6449, C replaced by G.
Molecular consequence: intron variant.
Genome position (GRCh38, 1-based): chr13:35,472,393, C>G. VCF-style: chr13-35472393-C-G. GRCh37 (hg19) VCF-style: chr13-36046530-C-G.
Other names: c.6449-7C>G (NM_015678.5); c.6440-7C>G (NM_001379245.1).
Identifiers: ClinVar variation 3251736 (VCV003251736.2), dbSNP rs201461132.